The following is an entry in ClinVar:

NM_000455.5(STK11):c.783C>A (p.Tyr261Ter)

Gene: STK11 (serine/threonine kinase 11; plus strand). Cytogenetic location: 19p13.3.
Variant type: single nucleotide variant.
Coding change: c.783C>A on transcript NM_000455.5 (MANE Select); coding-DNA position 783, C replaced by A.
Protein change: p.Tyr261Ter; replaces tyrosine 261 with a stop codon.
Molecular consequence: nonsense. On other transcripts: non-coding transcript variant (1).
Genome position (GRCh38, 1-based): chr19:1,221,261, C>A. VCF-style: chr19-1221261-C-A. GRCh37 (hg19) VCF-style: chr19-1221260-C-A.
Other names: c.783C>A, p.Tyr261Ter (NM_001407255.1); short protein forms Y261*.
Identifiers: ClinVar variation 4796636 (VCV004796636.1).
Genomic context (GRCh38, chr19:1,221,261, plus strand): 5'-CTCGAAATGAAGCTACAACATCACCACGGGTCTGTACCCCTTCGAAGGGGACAACATCTA[C>A]AAGTTGTTTGAGAACATCGGGAAGGGGAGCTACGCCATCCCGGGCGACTGTGGCCCCCCG-3'

ClinVar aggregate classification (germline): Pathogenic (1 of 4 stars; one submission).

Conditions:
Peutz-Jeghers syndrome (PJS). Also called: POLYPOSIS, HAMARTOMATOUS INTESTINAL; POLYPS-AND-SPOTS SYNDROME; Peutz-Jeghers polyposis; Periorificial lentiginosis syndrome. Identifiers: Orphanet 2869, MedGen C0031269, MeSH D010580, MONDO:0008280, OMIM 175200.

Submission:

Genetics Laboratory, Great Ormond Street Hospital NHS Foundation Trust, North Thames Genomic Laboratory Hub
Classification: Pathogenic for Peutz Jeghers Syndrome. Last evaluated: 2025-12-23. Review status: criteria provided, single submitter. Criteria: CanVIG Consensus Spec V3.0. Collection method: clinical testing. Allele origin: germline. Affected: yes.
Comment: PM2_moderate, PVS1_very-strong, PP4_supporting